The following is an entry in ClinVar:

ClinVar aggregate classification (germline): Uncertain significance (1 of 4 stars; one submission).

Conditions:
PRRC2B-related condition.

Submission:

PreventionGenetics, part of Exact Sciences
Classification: Uncertain significance for PRRC2B-related condition. Last evaluated: 2026-05-18. Review status: criteria provided, single submitter. Criteria: ACMG Guidelines, 2015. Collection method: clinical testing. Allele origin: germline.
Comment: The PRRC2B c.6412T>G variant is predicted to result in the amino acid substitution p.Phe2138Val. To our knowledge, this variant has not been reported in the literature. This variant is reported in 0.0065% of alleles in individuals of European (Non-Finnish) descent in gnomAD. At this time, the clinical significance of this variant is uncertain due to the absence of conclusive functional and genetic evidence.

NM_013318.4(PRRC2B):c.6412T>G (p.Phe2138Val)

Gene: PRRC2B (proline rich coiled-coil 2B; plus strand). Cytogenetic location: 9q34.13.
Variant type: single nucleotide variant.
Coding change: c.6412T>G on transcript NM_013318.4 (MANE Select); coding-DNA position 6412, T replaced by G.
Protein change: p.Phe2138Val; replaces phenylalanine 2138 with valine.
Molecular consequence: missense variant.
Genome position (GRCh38, 1-based): chr9:131,492,199, T>G. VCF-style: chr9-131492199-T-G. GRCh37 (hg19) VCF-style: chr9-134367586-T-G.
Other names: c.6412T>G, p.Phe2138Val (NM_001384818.1); c.6409T>G, p.Phe2137Val (NM_001384821.1, NM_001384822.1); c.4330T>G, p.Phe1444Val (NM_001384823.1); short protein forms F1444V, F2138V, F2137V.
Identifiers: ClinVar variation 4989273 (VCV004989273.1).